The following is an entry in ClinVar:

ClinVar aggregate classification (germline): Pathogenic (1 of 4 stars; one submission).

Conditions:
Autosomal dominant intellectual disability-craniofacial anomalies-cardiac defects syndrome (ARTHS). Also called: Arboleda-Tham syndrome; KAT6A syndrome; Mental retardation, autosomal dominant 32. Identifiers: Orphanet 457193, MedGen C4225396, MONDO:0014558, OMIM 616268.

Submission:

Institute of Human Genetics, Heidelberg University
Classification: Pathogenic for Autosomal dominant intellectual disability-craniofacial anomalies-cardiac defects syndrome. Last evaluated: 2025-08-06. Review status: criteria provided, single submitter. Criteria: ACMG Guidelines, 2015. Collection method: clinical testing. Allele origin: de novo. Affected: yes. Observed: 1 variant allele.
Comment: PVS1, PS2_mod, PM2_supp

NM_006766.5(KAT6A):c.3040-1_3040del

Gene: KAT6A (lysine acetyltransferase 6A; minus strand). Cytogenetic location: 8p11.21.
Variant type: Deletion.
Coding change: c.3040-1_3040del on transcript NM_006766.5 (MANE Select); the canonical splice acceptor site of the intron before coding-DNA position 3040 through coding-DNA position 3040, 2 bases deleted (GA; older notation c.3040-1_3040delGA).
Molecular consequence: splice acceptor variant.
Genome position (GRCh38, 1-based): chr8:41,937,568-41,937,569, TC deleted on the plus strand (GA on the coding strand, the reverse complement: KAT6A is on the minus strand); deleting any 2 consecutive bases within chr8:41,937,568-41,937,570 gives the same sequence; the c. name uses the placement nearest the transcript's 3' end. VCF-style (leftmost placement, unchanged base first): chr8-41937567-TTC-T. GRCh37 (hg19) VCF-style: chr8-41795085-TTC-T.
Identifiers: ClinVar variation 4684979 (VCV004684979.1).
Genomic context (GRCh38, chr8:41,937,567, plus strand): 5'-ACTACACTGCTATTGTGGTGTTTGCGCTTTCGGACTCTCCTCCTTCGGTGGAGAAATGGT[TTC>T]TGTTTAATAGAGAAAGCAAGTATTTACAGTTATGAACACTATCTTTTCTATTAATAATAC-3'